The following is an entry in ClinVar:

ClinVar aggregate classification (germline): Likely pathogenic. Review status: criteria provided, multiple submitters, no conflicts (2 of 4 stars). 2 submissions from 2 submitters: Likely pathogenic (2). Last evaluated 2024-10-16.

Conditions:
Nephronophthisis. Also called: Juvenile Nephronophthisis. Identifiers: Orphanet 655, MedGen C0687120, MONDO:0019005, HP:0000090.

Allele frequency attached by ClinVar (database versions not stated): gnomAD exomes below 0.00001 and 0.00001; TOPMed below 0.00001; ExAC 0.00001; gnomAD 0.00002.
gnomAD v4.1: 5 of 1,612,342 alleles (0.00031%); highest among the groups gnomAD compares: Admixed American, 0.0083%; no homozygotes.

Submissions (2):

GeneDx
Classification: Likely pathogenic. Last evaluated: 2024-10-16. Review status: criteria provided, single submitter. Criteria: GeneDx Variant Classification Process June 2021. Collection method: clinical testing. Allele origin: germline. Affected: yes.
Comment: Canonical splice site variant predicted to result in a null allele in a gene for which loss of function is a known mechanism of disease; Not observed at significant frequency in large population cohorts (gnomAD); Reported previously in an unaffected carrier; however, no further information was provided (PMID: 31964843); This variant is associated with the following publications: (PMID: 12205563, 23559409, 31964843)

Labcorp Genetics (formerly Invitae), Labcorp
Classification: Likely pathogenic for Nephronophthisis. Last evaluated: 2022-10-07. Review status: criteria provided, single submitter. Criteria: Invitae Variant Classification Sherloc (09022015). Collection method: clinical testing. Allele origin: germline.
Comment: In summary, the currently available evidence indicates that the variant is pathogenic, but additional data are needed to prove that conclusively. Therefore, this variant has been classified as Likely Pathogenic. This variant has not been reported in the literature in individuals affected with NPHP4-related conditions. ClinVar contains an entry for this variant (Variation ID: 1486132). This variant is present in population databases (rs746243637, gnomAD 0.006%). This sequence change affects a donor splice site in intron 8 of the NPHP4 gene. It is expected to disrupt RNA splicing. Variants that disrupt the donor or acceptor splice site typically lead to a loss of protein function (PMID: 16199547), and loss-of-function variants in NPHP4 are known to be pathogenic (PMID: 12205563, 23559409). Algorithms developed to predict the effect of sequence changes on RNA splicing suggest that this variant may disrupt the consensus splice site.

Literature cited by the submitters: PubMed 16199547 (cited by Labcorp Genetics (formerly Invitae), Labcorp); PubMed 12205563 (cited by Labcorp Genetics (formerly Invitae), Labcorp); PubMed 23559409 (cited by Labcorp Genetics (formerly Invitae), Labcorp).

NM_015102.5(NPHP4):c.992+2T>C

Gene: NPHP4 (nephrocystin 4; minus strand). Cytogenetic location: 1p36.31.
Variant type: single nucleotide variant.
Coding change: c.992+2T>C on transcript NM_015102.5 (MANE Select); the canonical splice donor site of the intron after coding-DNA position 992, T replaced by C.
Molecular consequence: splice donor variant.
Genome position (GRCh38, 1-based): chr1:5,948,068, A>G on the plus strand (T>C on the coding strand, the complement: NPHP4 is on the minus strand). VCF-style: chr1-5948068-A-G. GRCh37 (hg19) VCF-style: chr1-6008128-A-G.
Other names: c.-375+2T>C (NM_001291594.2, NM_001291593.2).
Identifiers: ClinVar variation 1486132 (VCV001486132.9), dbSNP rs746243637, ClinGen allele CA554691.